The following is an entry in ClinVar:

NM_015466.4(PTPN23):c.3343G>A (p.Ala1115Thr)

Gene: PTPN23 (protein tyrosine phosphatase non-receptor type 23; plus strand). Cytogenetic location: 3p21.31.
Variant type: single nucleotide variant.
Coding change: c.3343G>A on transcript NM_015466.4 (MANE Select); coding-DNA position 3343, G replaced by A.
Protein change: p.Ala1115Thr; replaces alanine 1115 with threonine.
Molecular consequence: missense variant.
Genome position (GRCh38, 1-based): chr3:47,411,141, G>A. VCF-style: chr3-47411141-G-A. GRCh37 (hg19) VCF-style: chr3-47452631-G-A.
Other names: c.2965G>A, p.Ala989Thr (NM_001304482.2); short protein forms A989T, A1115T.
Identifiers: ClinVar variation 1491014 (VCV001491014.3), dbSNP rs763104053, ClinGen allele CA2366259.

ClinVar aggregate classification (germline): Uncertain significance (1 of 4 stars; one submission).

Allele frequency attached by ClinVar (database versions not stated): ExAC 0.00007; gnomAD exomes 0.00008 and 0.00009; TOPMed 0.00009; gnomAD 0.00010.
gnomAD v4.1: 144 of 1,600,350 alleles (0.009%); highest among the groups gnomAD compares: Admixed American, 0.012%; no homozygotes.

Submission:

Labcorp Genetics (formerly Invitae), Labcorp
Classification: Uncertain significance. Last evaluated: 2022-10-05. Review status: criteria provided, single submitter. Criteria: Invitae Variant Classification Sherloc (09022015). Collection method: clinical testing. Allele origin: germline.
Comment: This sequence change replaces alanine, which is neutral and non-polar, with threonine, which is neutral and polar, at codon 1115 of the PTPN23 protein (p.Ala1115Thr). This variant is present in population databases (rs763104053, gnomAD 0.01%). This variant has not been reported in the literature in individuals affected with PTPN23-related conditions. ClinVar contains an entry for this variant (Variation ID: 1491014). Algorithms developed to predict the effect of missense changes on protein structure and function output the following: SIFT: "Tolerated"; PolyPhen-2: "Benign"; Align-GVGD: "Class C0". The threonine amino acid residue is found in multiple mammalian species, which suggests that this missense change does not adversely affect protein function. In summary, the available evidence is currently insufficient to determine the role of this variant in disease. Therefore, it has been classified as a Variant of Uncertain Significance.